The following is an entry in ClinVar:

NM_001035.3(RYR2):c.8759G>T (p.Arg2920Leu)

Gene: RYR2 (ryanodine receptor 2; plus strand). Cytogenetic location: 1q43.
Variant type: single nucleotide variant.
Coding change: c.8759G>T on transcript NM_001035.3 (MANE Select); coding-DNA position 8759, G replaced by T.
Protein change: p.Arg2920Leu; replaces arginine 2920 with leucine.
Molecular consequence: missense variant.
Genome position (GRCh38, 1-based): chr1:237,674,775, G>T. VCF-style: chr1-237674775-G-T. GRCh37 (hg19) VCF-style: chr1-237838075-G-T.
Other names: c.8759G>T, p.Arg2920Leu (LRG_402t1); short protein forms R2920L.
Identifiers: ClinVar variation 296737 (VCV000296737.8), dbSNP rs756302327, ClinGen allele CA076477.

ClinVar aggregate classification (germline): Uncertain significance. Review status: criteria provided, multiple submitters, no conflicts (2 of 4 stars). 4 submissions from 3 submitters: Uncertain significance (4). Last evaluated 2025-03-25.

Conditions:
Arrhythmogenic right ventricular dysplasia 2. Identifiers: MedGen C1832931.
Cardiomyopathy (CMYO). Also called: Cardiomyopathies. Identifiers: Orphanet 167848, MedGen C0878544, MONDO:0004994, HP:0001638. Inheritance: Various modes of inheritance.
Catecholaminergic polymorphic ventricular tachycardia 1. Also called: VENTRICULAR TACHYCARDIA, CATECHOLAMINERGIC POLYMORPHIC, 1, WITH OR WITHOUT ATRIAL DYSFUNCTION AND/OR DILATED CARDIOMYOPATHY; VENTRICULAR TACHYCARDIA, STRESS-INDUCED POLYMORPHIC 1; RYR2-Related Catecholaminergic Polymorphic Ventricular Tachycardia. Identifiers: Orphanet 3286, MedGen C1631597, MONDO:0011484, OMIM 604772.

gnomAD v4.1: 3 of 1,612,488 alleles (0.00019%); highest among the groups gnomAD compares: Middle Eastern, 0.017%; no homozygotes.

Submissions (4):

Labcorp Genetics (formerly Invitae), Labcorp
Classification: Uncertain significance for Catecholaminergic polymorphic ventricular tachycardia 1. Last evaluated: 2025-03-25. Review status: criteria provided, single submitter. Criteria: Invitae Variant Classification Sherloc (09022015). Collection method: clinical testing. Allele origin: germline.
Comment: This sequence change replaces arginine, which is basic and polar, with leucine, which is neutral and non-polar, at codon 2920 of the RYR2 protein (p.Arg2920Leu). This variant is not present in population databases (gnomAD no frequency). This variant has not been reported in the literature in individuals affected with RYR2-related conditions. ClinVar contains an entry for this variant (Variation ID: 296737). Invitae Evidence Modeling of protein sequence and biophysical properties (such as structural, functional, and spatial information, amino acid conservation, physicochemical variation, residue mobility, and thermodynamic stability) indicates that this missense variant is expected to disrupt RYR2 protein function with a positive predictive value of 95%. In summary, the available evidence is currently insufficient to determine the role of this variant in disease. Therefore, it has been classified as a Variant of Uncertain Significance.

Color Diagnostics, LLC DBA Color Health
Classification: Uncertain significance for Cardiomyopathy. Last evaluated: 2024-11-04. Review status: criteria provided, single submitter. Criteria: ACMG Guidelines, 2015. Collection method: clinical testing. Allele origin: germline.
Comment: This missense variant replaces arginine with leucine at codon 2920 of the RYR2 protein. Computational prediction suggests that this variant may have deleterious impact on protein structure and function. To our knowledge, functional studies have not been reported for this variant. This variant has not been reported in individuals affected with RYR2-related disorders in the literature. This variant has not been identified in the general population by the Genome Aggregation Database (gnomAD). The available evidence is insufficient to determine the role of this variant in disease conclusively. Therefore, this variant is classified as a Variant of Uncertain Significance.

Illumina Laboratory Services, Illumina
Classification: Uncertain significance for Catecholaminergic polymorphic ventricular tachycardia 1. Last evaluated: 2018-01-13. Review status: criteria provided, single submitter. Criteria: ICSL Variant Classification Criteria 13 December 2019. Collection method: clinical testing. Allele origin: germline.

Illumina Laboratory Services, Illumina
Classification: Uncertain significance for Catecholaminergic polymorphic ventricular tachycardia 1. Last evaluated: 2018-01-13. Review status: criteria provided, single submitter. Criteria: ICSL Variant Classification Criteria 13 December 2019. Collection method: clinical testing. Allele origin: germline.